The following is an entry in ClinVar:

ClinVar aggregate classification (germline): Uncertain significance (1 of 4 stars; one submission).

Submission:

GeneDx
Classification: Uncertain significance. Last evaluated: 2019-05-02. Review status: criteria provided, single submitter. Criteria: GeneDx Variant Classification Process June 2021. Collection method: clinical testing. Allele origin: germline. Affected: yes.
Comment: Has not been previously published as pathogenic or benign to our knowledge; In silico analysis, which includes protein predictors and evolutionary conservation, supports a deleterious effect; Not located in the triple helical region, where the majority of pathogenic missense variants occur (Stenson et al., 2014); Not observed in large population cohorts (Lek et al., 2016)

NM_000093.5(COL5A1):c.620T>G (p.Phe207Cys)

Gene: COL5A1 (collagen type V alpha 1 chain; plus strand). Cytogenetic location: 9q34.3.
Variant type: single nucleotide variant.
Coding change: c.620T>G on transcript NM_000093.5 (MANE Select); coding-DNA position 620, T replaced by G.
Protein change: p.Phe207Cys; replaces phenylalanine 207 with cysteine.
Molecular consequence: missense variant.
Genome position (GRCh38, 1-based): chr9:134,701,299, T>G. VCF-style: chr9-134701299-T-G. GRCh37 (hg19) VCF-style: chr9-137593145-T-G.
Other names: c.620T>G, p.Phe207Cys (NM_001278074.1); short protein forms F207C.
Identifiers: ClinVar variation 1320430 (VCV001320430.2), dbSNP rs2132573278, ClinGen allele CA375443476.